The following is an entry in ClinVar:

NM_004655.4(AXIN2):c.645C>G (p.Leu215=)

Gene: AXIN2 (axin 2; minus strand). Cytogenetic location: 17q24.1.
Variant type: single nucleotide variant.
Coding change: c.645C>G on transcript NM_004655.4 (MANE Select); coding-DNA position 645, C replaced by G.
Protein change: p.Leu215=; no amino-acid change (leucine 215 retained).
Molecular consequence: synonymous variant.
Genome position (GRCh38, 1-based): chr17:65,557,976, G>C on the plus strand (C>G on the coding strand, the complement: AXIN2 is on the minus strand). VCF-style: chr17-65557976-G-C. GRCh37 (hg19) VCF-style: chr17-63554094-G-C.
Other names: c.645C>G, p.Leu215= (NM_001363813.1).
Identifiers: ClinVar variation 3254295 (VCV003254295.1), dbSNP rs767834824.

ClinVar aggregate classification (germline): Benign (1 of 4 stars; one submission).

Conditions:
Oligodontia-cancer predisposition syndrome. Also called: TOOTH AGENESIS-COLORECTAL CANCER SYNDROME. Identifiers: Orphanet 300576, MedGen C1837750, MONDO:0012075, OMIM 608615. Disease mechanism: loss of function.

Submission:

Myriad Genetics, Inc.
Classification: Benign for Oligodontia-cancer predisposition syndrome. Last evaluated: 2024-06-27. Review status: criteria provided, single submitter. Criteria: Myriad Autosomal Dominant, Autosomal Recessive and X-Linked Classification Criteria (2023). Collection method: clinical testing. Allele origin: unknown.
Comment: This variant is considered benign. This variant is a silent/synonymous amino acid change and it is not expected to impact splicing.